The following is an entry in ClinVar:

NM_022132.5(MCCC2):c.282-7G>A

Gene: MCCC2 (methylcrotonyl-CoA carboxylase subunit 2; plus strand). Cytogenetic location: 5q13.2.
Variant type: single nucleotide variant.
Coding change: c.282-7G>A on transcript NM_022132.5 (MANE Select); 7 bases into the intron before coding-DNA position 282, G replaced by A.
Molecular consequence: intron variant.
Genome position (GRCh38, 1-based): chr5:71,599,652, G>A. VCF-style: chr5-71599652-G-A. GRCh37 (hg19) VCF-style: chr5-70895479-G-A.
Other names: c.282-7G>A (NM_001363147.1).
Identifiers: ClinVar variation 261559 (VCV000261559.14), dbSNP rs115078899, ClinGen allele CA3297733.
Genomic context (GRCh38, chr5:71,599,652, plus strand): 5'-TGTGTAACTGTTTAAATGTGTAGTTTTTAATGACATTAATTCAAACAACATCCTTTCTTC[G>A]CTTTAGGTCTCCATTTCTGGAATTATCCCAGTTTGCAGGTTACCAGTTATATGACAATGA-3'

ClinVar aggregate classification (germline): Benign/Likely benign. Review status: criteria provided, multiple submitters, no conflicts (2 of 4 stars). 5 submissions from 5 submitters: Benign (3); Likely benign (2). Last evaluated 2026-01-25.

Conditions:
3-methylcrotonyl-CoA carboxylase 2 deficiency. Also called: 3 alpha methylcrotonyl-CoA carboxylase 2 deficiency; 3 alpha methylcrotonylglycinuria 2; MCC 2 deficiency; Methylcrotonylglycinuria type 2; METHYLCROTONYLGLYCINURIA, TYPE II. Identifiers: Orphanet 6, MedGen C1859499, MONDO:0008862, OMIM 210210.

Allele frequency attached by ClinVar (database versions not stated): gnomAD exomes 0.00101 and 0.00041; ESP Exome Variant Server 0.00369; gnomAD 0.00377 and 0.00399; ExAC 0.00122; TOPMed 0.00410; 1000 Genomes Project 30x 0.00500; 1000 Genomes Project 0.00459.
gnomAD v4.1: 1,211 of 1,607,362 alleles (0.075%); highest among the groups gnomAD compares: African/African-American, 1.2%; 5 homozygotes.

Submissions (5):

Labcorp Genetics (formerly Invitae), Labcorp
Classification: Benign for 3-methylcrotonyl-CoA carboxylase 2 deficiency. Last evaluated: 2026-01-25. Review status: criteria provided, single submitter. Criteria: Invitae Variant Classification Sherloc (09022015). Collection method: clinical testing. Allele origin: germline.

Women's Health and Genetics/Laboratory Corporation of America, LabCorp
Classification: Benign. Last evaluated: 2022-07-01. Review status: criteria provided, single submitter. Criteria: LabCorp Variant Classification Summary - May 2015. Collection method: clinical testing. Allele origin: germline.
Comment: Variant summary: MCCC2 c.282-7G>A alters a non-conserved nucleotide located close to a canonical splice site and therefore could affect mRNA splicing, leading to a significantly altered protein sequence. 4/4 computational tools predict no significant impact on normal splicing, however, these predictions have yet to be confirmed by functional studies. The variant allele was found at a frequency of 0.001 in 251392 control chromosomes (gnomAD), predominantly at a frequency of 0.013 within the African or African-American subpopulation in the gnomAD database, including 3 homozygotes. The observed variant frequency within African or African-American control individuals in the gnomAD database is approximately 3-fold of the estimated maximal expected allele frequency for a pathogenic variant in MCCC2 causing Methylcrotonyl-CoA Carboxylase Deficiency phenotype (0.0042), strongly suggesting that the variant is a benign polymorphism found primarily in populations of African or African-American origin. To our knowledge, no occurrence of c.282-7G>A in individuals affected with Methylcrotonyl-CoA Carboxylase Deficiency and no experimental evidence demonstrating its impact on protein function have been reported. Two clinical diagnostic laboratories have submitted clinical-significance assessments for this variant to ClinVar after 2014 without evidence for independent evaluation. Both laboratories classified the variant as benign. Based on the evidence outlined above, the variant was classified as benign.

GeneDx
Classification: Benign. Last evaluated: 2017-03-02. Review status: criteria provided, single submitter. Criteria: GeneDx Variant Classification (06012015). Collection method: clinical testing. Allele origin: germline. Affected: yes.
Comment: This variant is considered likely benign or benign based on one or more of the following criteria: it is a conservative change, it occurs at a poorly conserved position in the protein, it is predicted to be benign by multiple in silico algorithms, and/or has population frequency not consistent with disease.

Breakthrough Genomics
Classification: Likely benign. Review status: criteria provided, single submitter. Criteria: ACMG Guidelines, 2015. Collection method: not provided. Allele origin: germline. Inheritance: Autosomal recessive inheritance. Affected: yes.

PreventionGenetics, part of Exact Sciences
Classification: Likely benign. Review status: criteria provided, single submitter. Criteria: ACMG Guidelines, 2015. Collection method: clinical testing. Allele origin: germline.